The following is an entry in ClinVar:

ClinVar aggregate classification (germline): Uncertain significance. Review status: criteria provided, multiple submitters, no conflicts (2 of 4 stars). 2 submissions from 2 submitters: Uncertain significance (2). Last evaluated 2025-11-17.

Conditions:
Mosaic variegated aneuploidy syndrome 1 (MVA1). Also called: Warburton-Anyane-Yeboa syndrome. Identifiers: Orphanet 1052, MedGen C1850343, MONDO:0009759, OMIM 257300.
Inborn genetic diseases. Identifiers: MedGen C0950123, MeSH D030342.

Allele frequency attached by ClinVar (database versions not stated): gnomAD 0.00001; gnomAD exomes 0.00001; TOPMed 0.00001.

Submissions (2):

Labcorp Genetics (formerly Invitae), Labcorp
Classification: Uncertain significance for Mosaic variegated aneuploidy syndrome 1. Last evaluated: 2025-11-17. Review status: criteria provided, single submitter. Criteria: Invitae Variant Classification Sherloc (09022015). Collection method: clinical testing. Allele origin: germline.
Comment: This sequence change replaces serine, which is neutral and polar, with threonine, which is neutral and polar, at codon 928 of the BUB1B protein (p.Ser928Thr). This variant is present in population databases (no rsID available, gnomAD 0.002%). This variant has not been reported in the literature in individuals affected with BUB1B-related conditions. ClinVar contains an entry for this variant (Variation ID: 962624). An algorithm developed to predict the effect of missense changes on protein structure and function (PolyPhen-2) suggests that this variant is likely to be tolerated. In summary, the available evidence is currently insufficient to determine the role of this variant in disease. Therefore, it has been classified as a Variant of Uncertain Significance.

Ambry Genetics
Classification: Uncertain significance for Inborn genetic diseases. Last evaluated: 2025-08-11. Review status: criteria provided, single submitter. Criteria: Ambry Variant Classification Scheme 2023. Collection method: clinical testing. Allele origin: germline.

NM_001211.6(BUB1B):c.2783G>C (p.Ser928Thr)

Genes: BUB1B (BUB1 mitotic checkpoint serine/threonine kinase B; plus strand), BUB1B-PAK6 (BUB1B-PAK6 readthrough; plus strand). Cytogenetic location: 15q15.1.
Variant type: single nucleotide variant.
Coding change: c.2783G>C on transcript NM_001211.6 (MANE Select); coding-DNA position 2783, G replaced by C.
Protein change: p.Ser928Thr; replaces serine 928 with threonine.
Molecular consequence: missense variant. On other transcripts: 5 prime UTR variant (2).
Genome position (GRCh38, 1-based): chr15:40,217,600, G>C. VCF-style: chr15-40217600-G-C. GRCh37 (hg19) VCF-style: chr15-40509801-G-C.
Other names: c.-268G>C (NM_001128628.3); c.-185G>C (NM_001128629.3); short protein forms S928T.
Identifiers: ClinVar variation 962624 (VCV000962624.14), dbSNP rs950826338, ClinGen allele CA268761026.